The following is an entry in ClinVar:

NM_007294.4(BRCA1):c.3881G>T (p.Ser1294Ile)

Genes: BRCA1 (BRCA1 DNA repair associated; minus strand), LOC126862571 (BRD4-independent group 4 enhancer GRCh37_chr17:41243136-41244335; plus strand). Cytogenetic location: 17q21.31.
Variant type: single nucleotide variant.
Coding change: c.3881G>T on transcript NM_007294.4 (MANE Select); coding-DNA position 3881, G replaced by T.
Protein change: p.Ser1294Ile; replaces serine 1294 with isoleucine.
Molecular consequence: missense variant. On other transcripts: intron variant (135).
Genome position (GRCh38, 1-based): chr17:43,091,650, C>A on the plus strand (G>T on the coding strand, the complement: BRCA1 is on the minus strand). VCF-style: chr17-43091650-C-A. GRCh37 (hg19) VCF-style: chr17-41243667-C-A.
Other names: c.3668G>T, p.Ser1223Ile (NM_001407571.1, NM_001407853.1, NM_001407894.1 and 9 more transcripts); c.3881G>T, p.Ser1294Ile (NM_001407581.1, NM_001407582.1, NM_001407583.1 and 30 more transcripts); c.3878G>T, p.Ser1293Ile (NM_001407587.1, NM_001407590.1, NM_001407591.1 and 22 more transcripts); c.3872G>T, p.Ser1291Ile (NM_001407646.1, NM_001407647.1); c.3758G>T, p.Ser1253Ile (NM_001407648.1, NM_001407664.1, NM_001407665.1 and 19 more transcripts); c.3755G>T, p.Ser1252Ile (NM_001407649.1, NM_001407670.1, NM_001407671.1 and 11 more transcripts); c.3803G>T, p.Ser1268Ile (NM_001407653.1, NM_001407654.1, NM_001407655.1 and 4 more transcripts); c.3800G>T, p.Ser1267Ile (NM_001407659.1, NM_001407660.1, NM_001407661.1 and 1 more transcripts); and 41 more; short protein forms S1294I, S1247I, S1166I, S1205I, S1246I, S1267I, S1268I, S1291I.
Identifiers: ClinVar variation 824333 (VCV000824333.7), dbSNP rs776996813, ClinGen allele CA10594202.

ClinVar aggregate classification (germline): Conflicting classifications of pathogenicity. Review status: criteria provided, conflicting classifications (1 of 4 stars). 2 submissions from 2 submitters: Uncertain significance (1); Likely benign (1). Last evaluated 2023-03-23.

Conditions:
Hereditary cancer-predisposing syndrome. Also called: Neoplastic Syndromes, Hereditary; Tumor predisposition; Hereditary neoplastic syndrome; Hereditary Cancer Syndrome. Identifiers: Orphanet 140162, MedGen C0027672, MeSH D009386, MONDO:0015356.

Submissions (2):

University of Washington Department of Laboratory Medicine, University of Washington
Classification: Likely benign for Hereditary cancer-predisposing syndrome. Last evaluated: 2023-03-23. Review status: criteria provided, single submitter. Criteria: Dines et al. (Genet Med. 2020). Collection method: curation. Allele origin: germline.
Comment: Missense variant in a coldspot region where missense variants are very unlikely to be pathogenic (PMID:31911673).

BRCA1 coldspot (exon 11 using historical exon numbering). Reclassification based on statistical prior probability

Ambry Genetics
Classification: Uncertain significance for Hereditary cancer-predisposing syndrome. Last evaluated: 2018-11-21. Review status: criteria provided, single submitter. Criteria: Ambry Variant Classification Scheme 2023. Collection method: clinical testing. Allele origin: germline.
Comment: The p.S1294I variant (also known as c.3881G>T), located in coding exon 9 of the BRCA1 gene, results from a G to T substitution at nucleotide position 3881. The serine at codon 1294 is replaced by isoleucine, an amino acid with dissimilar properties. This amino acid position is well conserved in available vertebrate species. In addition, the in silico prediction for this alteration is inconclusive. Since supporting evidence is limited at this time, the clinical significance of this alteration remains unclear.